The following is an entry in ClinVar:

ClinVar aggregate classification (germline): Conflicting classifications of pathogenicity. Review status: criteria provided, conflicting classifications (1 of 4 stars). 7 submissions from 7 submitters: Likely pathogenic (1); Uncertain significance (6). Last evaluated 2026-07-20.

Conditions:
Hereditary nonpolyposis colorectal neoplasms. Identifiers: MedGen C0009405, MeSH D003123.
Hereditary cancer-predisposing syndrome. Also called: Neoplastic Syndromes, Hereditary; Hereditary Cancer Syndrome; Tumor predisposition; Hereditary neoplastic syndrome. Identifiers: Orphanet 140162, MedGen C0027672, MeSH D009386, MONDO:0015356.
Lynch syndrome 4 (LYNCH4). Also called: Colorectal cancer, hereditary nonpolyposis, type 4; Hereditary non-polyposis colorectal cancer, type 4. Identifiers: Orphanet 144, MedGen C1838333, MONDO:0013699, OMIM 614337. Disease mechanism: loss of function.

Allele frequency attached by ClinVar (database versions not stated): gnomAD exomes below 0.00001.
gnomAD v4.1: 4 of 1,604,106 alleles (0.00025%); highest among the groups gnomAD compares: African/African-American, 0.0014%; no homozygotes.

Submissions (7):

Ambry Genetics
Classification: Uncertain significance for Hereditary cancer-predisposing syndrome. Last evaluated: 2026-07-20. Review status: criteria provided, single submitter. Criteria: Ambry Variant Classification Scheme 2023. Collection method: clinical testing. Allele origin: germline.
Comment: The p.N749K variant (also known as c.2247T>A), located in coding exon 13 of the PMS2 gene, results from a T to A substitution at nucleotide position 2247. The asparagine at codon 749 is replaced by lysine, an amino acid with similar properties. In an assay testing PMS2 function, this variant showed a functionally abnormal result (Rayner E et al. Hum Mutat, 2022 Sep;43:1249-1258). This amino acid position is highly conserved in available vertebrate species. In addition, the in silico prediction for this alteration is inconclusive. Based on the available evidence, the clinical significance of this variant remains unclear.

Labcorp Genetics (formerly Invitae), Labcorp
Classification: Uncertain significance for Hereditary nonpolyposis colorectal neoplasms. Last evaluated: 2025-12-15. Review status: criteria provided, single submitter. Criteria: Invitae Variant Classification Sherloc (09022015). Collection method: clinical testing. Allele origin: germline.
Comment: This sequence change replaces asparagine, which is neutral and polar, with lysine, which is basic and polar, at codon 749 of the PMS2 protein (p.Asn749Lys). The frequency data for this variant in the population databases (gnomAD) is considered unreliable due to the presence of homologous sequence, such as pseudogenes or paralogs, in the genome. This variant has not been reported in the literature in individuals affected with PMS2-related conditions. ClinVar contains an entry for this variant (Variation ID: 185928). Invitae Evidence Modeling of protein sequence and biophysical properties (such as structural, functional, and spatial information, amino acid conservation, physicochemical variation, residue mobility, and thermodynamic stability) indicates that this missense variant is expected to disrupt PMS2 protein function with a positive predictive value of 80%. Experimental studies have shown that this missense change affects PMS2 function (PMID: 35451539). In summary, the available evidence is currently insufficient to determine the role of this variant in disease. Therefore, it has been classified as a Variant of Uncertain Significance.

Myriad Genetics, Inc.
Classification: Likely pathogenic for Lynch syndrome 4. Last evaluated: 2023-09-22. Review status: criteria provided, single submitter. Criteria: Myriad Autosomal Dominant, Autosomal Recessive and X-Linked Classification Criteria (2023). Collection method: clinical testing. Allele origin: unknown.
Comment: This variant is considered likely pathogenic. Functional studies indicate this variant impacts protein function [PMID: 35451539]. This variant is expected to disrupt protein structure [Myriad internal data].

Baylor Genetics
Classification: Uncertain significance for Lynch syndrome 4. Last evaluated: 2023-08-03. Review status: criteria provided, single submitter. Criteria: ACMG Guidelines, 2015. Collection method: clinical testing. Allele origin: unknown.

Sema4
Classification: Uncertain significance for Hereditary cancer-predisposing syndrome. Last evaluated: 2021-12-29. Review status: criteria provided, single submitter. Criteria: Sema4 Curation Guidelines. Collection method: curation. Allele origin: germline.
Comment: The PMS2 c.2247T>A (p.N749K) variant has not been reported in the literature to our knowledge. It was observed in 1/16120 chromosomes of the African/African American subpopulation in the large and broad cohorts of the Genome Aggregation Database (PMID: 32461654). The variant has been reported in ClinVar (Variation ID 185928). Functional studies have not been performed, and in silico predictions of the variant's effect on protein function are inconclusive. The evidence is insufficient to meet ACMG/AMP criteria for classifying the variant as benign or pathogenic. Thus, the clinical significance of this variant is currently uncertain.

Quest Diagnostics Nichols Institute San Juan Capistrano
Classification: Uncertain significance. Last evaluated: 2018-04-27. Review status: criteria provided, single submitter. Criteria: Quest Diagnostics criteria. Collection method: clinical testing. Allele origin: germline.

GeneDx
Classification: Uncertain significance. Last evaluated: 2016-12-05. Review status: criteria provided, single submitter. Criteria: GeneDx Variant Classification (06012015). Collection method: clinical testing. Allele origin: germline. Affected: yes.
Comment: This variant is denoted PMS2 c.2247T>A at the cDNA level, p.Asn749Lys (N749K) at the protein level, and results in the change of an Asparagine to a Lysine (AAT>AAA). This variant has not, to our knowledge, been published in the literature as pathogenic or benign. PMS2 Asn749Lys was not observed in approximately 6,500 individuals of European and African American ancestry in the NHLBI Exome Sequencing Project, suggesting it is not a common benign variant in these populations. Since Asparagine and Lysine differ in some properties, this is considered a semi-conservative amino acid substitution. PMS2 Asn749Lys occurs at a position that is conserved across species and is located within the nuclease domain (Fukui 2011). In silico analyses predict that this variant is probably damaging to protein structure and function. Based on currently available evidence, it is unclear whether PMS2 Asn749Lys is a pathogenic or benign variant. We consider it to be a variant of uncertain significance.

Literature cited by the submitters: PubMed 35451539 (cited by 3 submitters).

NM_000535.7(PMS2):c.2247T>A (p.Asn749Lys)

Gene: PMS2 (PMS1 homolog 2, mismatch repair system component; minus strand). Cytogenetic location: 7p22.1.
Variant type: single nucleotide variant.
Coding change: c.2247T>A on transcript NM_000535.7 (MANE Select); coding-DNA position 2247, T replaced by A.
Protein change: p.Asn749Lys; replaces asparagine 749 with lysine.
Molecular consequence: missense variant. On other transcripts: non-coding transcript variant (1).
Genome position (GRCh38, 1-based): chr7:5,978,624, A>T on the plus strand (T>A on the coding strand, the complement: PMS2 is on the minus strand). VCF-style: chr7-5978624-A-T. GRCh37 (hg19) VCF-style: chr7-6018255-A-T.
Other names: c.1842T>A, p.Asn614Lys (NM_001322003.2, NM_001322004.2, NM_001322005.2 and 1 more transcripts); c.2091T>A, p.Asn697Lys (NM_001322006.2); c.1929T>A, p.Asn643Lys (NM_001322007.2, NM_001322008.2); c.1686T>A, p.Asn562Lys (NM_001322010.2); c.1314T>A, p.Asn438Lys (NM_001322011.2, NM_001322012.2); c.1674T>A, p.Asn558Lys (NM_001322013.2); c.2247T>A, p.Asn749Lys (NM_001322014.2); c.1938T>A, p.Asn646Lys (NM_001322015.2); short protein forms N749K, N643K, N646K, N438K, N614K, N558K, N562K, N697K.
Identifiers: ClinVar variation 185928 (VCV000185928.21), dbSNP rs200824831, ClinGen allele CA011125.